The following is an entry in ClinVar:

ClinVar aggregate classification (germline): Uncertain significance (1 of 4 stars; one submission).

Submission:

GeneDx
Classification: Uncertain significance. Last evaluated: 2025-07-17. Review status: criteria provided, single submitter. Criteria: GeneDx Variant Classification Process June 2021. Collection method: clinical testing. Allele origin: germline. Affected: yes.
Comment: Not observed at significant frequency in large population cohorts (gnomAD); In silico analysis supports that this missense variant has a deleterious effect on protein structure/function; Has not been previously published as pathogenic or benign to our knowledge

NM_006267.5(RANBP2):c.2030T>G (p.Val677Gly)

Gene: RANBP2 (RAN binding protein 2; plus strand). Cytogenetic location: 2q13.
Variant type: single nucleotide variant.
Coding change: c.2030T>G on transcript NM_006267.5 (MANE Select); coding-DNA position 2030, T replaced by G.
Protein change: p.Val677Gly; replaces valine 677 with glycine.
Molecular consequence: missense variant.
Genome position (GRCh38, 1-based): chr2:108,753,538, T>G. VCF-style: chr2-108753538-T-G. GRCh37 (hg19) VCF-style: chr2-109369994-T-G.
Other names: c.2030T>G, p.Val677Gly (NM_001415871.1, NM_001415873.1); c.2027T>G, p.Val676Gly (NM_001415872.1); short protein forms V676G, V677G.
Identifiers: ClinVar variation 4686353 (VCV004686353.1).